The following is an entry in ClinVar:

NM_002485.5(NBN):c.1425G>T (p.Met475Ile)

Gene: NBN (nibrin; minus strand). Cytogenetic location: 8q21.3.
Variant type: single nucleotide variant.
Coding change: c.1425G>T on transcript NM_002485.5 (MANE Select); coding-DNA position 1425, G replaced by T.
Protein change: p.Met475Ile; replaces methionine 475 with isoleucine.
Molecular consequence: missense variant.
Genome position (GRCh38, 1-based): chr8:89,953,664, C>A on the plus strand (G>T on the coding strand, the complement: NBN is on the minus strand). VCF-style: chr8-89953664-C-A. GRCh37 (hg19) VCF-style: chr8-90965892-C-A.
Other names: c.1179G>T, p.Met393Ile (NM_001024688.3); short protein forms M393I, M475I.
Identifiers: ClinVar variation 1772365 (VCV001772365.2), dbSNP rs1180796619, ClinGen allele CA371655875.

ClinVar aggregate classification (germline): Uncertain significance (1 of 4 stars; one submission).

Conditions:
Hereditary cancer-predisposing syndrome. Also called: Hereditary Cancer Syndrome; Hereditary neoplastic syndrome; Neoplastic Syndromes, Hereditary; Tumor predisposition. Identifiers: Orphanet 140162, MedGen C0027672, MeSH D009386, MONDO:0015356.

Submission:

Ambry Genetics
Classification: Uncertain significance for Hereditary cancer-predisposing syndrome. Last evaluated: 2015-10-26. Review status: criteria provided, single submitter. Criteria: Ambry Variant Classification Scheme 2023. Collection method: clinical testing. Allele origin: germline.
Comment: The p.M475I variant (also known as c.1425G>T), located in coding exon 11 of the NBN gene, results from a G to T substitution at nucleotide position 1425. The methionine at codon 475 is replaced by isoleucine, an amino acid with highly similar properties. This variant was not reported in population based cohorts in the following databases: Database of Single Nucleotide Polymorphisms (dbSNP), NHLBI Exome Sequencing Project (ESP), and 1000 Genomes Project. In the ESP, this variant was not observed in 6502 samples (13004 alleles) with coverage at this position. To date, this alteration has been detected with an allele frequency of approximately 0.002% (greater than 65000 alleles tested) in our clinical cohort. This amino acid position is not well conserved in available vertebrate species. In addition, this alteration is predicted to be tolerated by in silico analysis. Since supporting evidence is limited at this time, the clinical significance of p.M475I remains unclear.